The following is an entry in ClinVar:

NM_000020.3(ACVRL1):c.140G>C (p.Arg47Pro)

Gene: ACVRL1 (activin A receptor like type 1; plus strand). Cytogenetic location: 12q13.13.
Variant type: single nucleotide variant.
Coding change: c.140G>C on transcript NM_000020.3 (MANE Select); coding-DNA position 140, G replaced by C.
Protein change: p.Arg47Pro; replaces arginine 47 with proline.
Molecular consequence: missense variant.
Genome position (GRCh38, 1-based): chr12:51,913,177, G>C. VCF-style: chr12-51913177-G-C. GRCh37 (hg19) VCF-style: chr12-52306961-G-C.
Other names: c.140G>C, p.Arg47Pro (NM_001077401.2); short protein forms R47P.
Identifiers: ClinVar variation 381525 (VCV000381525.16), dbSNP rs774389618, ClinGen allele CA16607361.

ClinVar aggregate classification (germline): Pathogenic/Likely pathogenic. Review status: criteria provided, multiple submitters, no conflicts (2 of 4 stars). 5 submissions from 5 submitters: Pathogenic (4); Likely pathogenic (1). Last evaluated 2026-02-20.

Conditions:
ACVRL1-related disorder. Also called: ACVRL1-related disorders; ACVRL1-related condition.
Cardiovascular phenotype. Identifiers: MedGen CN230736.
Telangiectasia, hereditary hemorrhagic, type 2 (HHT2). Also called: ACVRL1-Related Hereditary Hemorrhagic Telangiectasia; Telangiectasia, hereditary hemorrhagic, type II. Identifiers: Orphanet 774, MedGen C1838163, MONDO:0010880, OMIM 600376. Disease mechanism: loss of function.

gnomAD v4.1: 1 of 1,599,206 alleles (0.000063%); highest among the groups gnomAD compares: Non-Finnish European, 0.000085%; no homozygotes.

Submissions (5):

Victorian Clinical Genetics Services, Murdoch Childrens Research Institute
Classification: Pathogenic for Telangiectasia, hereditary hemorrhagic, type 2. Last evaluated: 2026-02-20. Review status: criteria provided, single submitter. Criteria: ACMG Guidelines, 2015. Collection method: clinical testing. Allele origin: germline. Affected: yes.
Comment: This variant is classified as Pathogenic. Evidence in support of pathogenic classification: Variant is present in gnomAD <0.001 for a dominant condition (v4: 1 heterozygote(s), 0 homozygote(s)); This variant has strong previous evidence of pathogenicity in unrelated individuals. The variant has been classified as likely pathogenic and pathogenic by clinical laboratories in ClinVar. It has also been described in the literature as pathogenic in patients with hereditary haemorrhagic telangiectasia (PMIDs: 16542389, 16470589, 22991266, 26176610); Moderate evidence for segregation with disease. The variant has been shown to segregate with disease in six affected individuals from one family (PMID: 16470589); Moderate functional evidence supporting abnormal protein function. Functional studies in transfected cells showed that the variant resulted in a non-functional protein (PMID: 26176610). Additional information: Variant is predicted to result in a missense amino acid change from Arg to Pro; This variant is heterozygous; This gene is associated with autosomal dominant disease; Variant is not located in an established domain, motif, hotspot or informative constraint region; Dominant negative and loss of function are known mechanisms of disease in this gene and are associated with hereditary haemorrhagic telangiectasia type 2 (MIM# 600376) (PMIDs: 16282348, 26176610); Dominant Negative is a mechanism of disease for this gene; Variants in this gene are known to have variable expressivity. Clinical expression is known to be extremely variable and age-dependent (PMID: 19767588); Inheritance information for this variant is not currently available in this individual.

Labcorp Genetics (formerly Invitae), Labcorp
Classification: Pathogenic for Telangiectasia, hereditary hemorrhagic, type 2. Last evaluated: 2024-01-03. Review status: criteria provided, single submitter. Criteria: Invitae Variant Classification Sherloc (09022015). Collection method: clinical testing. Allele origin: germline.
Comment: This sequence change replaces arginine, which is basic and polar, with proline, which is neutral and non-polar, at codon 47 of the ACVRL1 protein (p.Arg47Pro). This variant is not present in population databases (gnomAD no frequency). This missense change has been observed in individual(s) with hereditary hemorrhagic telangiectasia (PMID: 16470589, 16542389, 22991266, 26176610). ClinVar contains an entry for this variant (Variation ID: 381525). Advanced modeling of protein sequence and biophysical properties (such as structural, functional, and spatial information, amino acid conservation, physicochemical variation, residue mobility, and thermodynamic stability) has been performed at Invitae for this missense variant, however the output from this modeling did not meet the statistical confidence thresholds required to predict the impact of this variant on ACVRL1 protein function. Experimental studies have shown that this missense change affects ACVRL1 function (PMID: 26176610). For these reasons, this variant has been classified as Pathogenic.

Blueprint Genetics
Classification: Pathogenic for ACVRL1-related disorders. Last evaluated: 2023-08-08. Review status: criteria provided, single submitter. Criteria: ACMG Guidelines, 2015. Collection method: clinical testing. Allele origin: germline. Affected: yes. Observed: 3 variant alleles.

GeneDx
Classification: Pathogenic. Last evaluated: 2022-06-09. Review status: criteria provided, single submitter. Criteria: GeneDx Variant Classification Process June 2021. Collection method: clinical testing. Allele origin: germline. Affected: yes.
Comment: Reported in multiple unrelated individuals with features of HHT in published literature, including one family where the variant was found in five relatives with epistaxis and telangiectasias and one relative with hepatic and cerebral arteriovenous malformations (Fernandez et al., 2006; Wehner et al., 2006; Nishida et al., 2012); Not observed in large population cohorts (gnomAD); In silico analysis supports that this missense variant has a deleterious effect on protein structure/function; This variant is associated with the following publications: (PMID: 22028876, 22991266, 26176610, 16542389, 16470589)

Ambry Genetics
Classification: Likely pathogenic for Cardiovascular phenotype. Last evaluated: 2016-10-10. Review status: criteria provided, single submitter. Criteria: Ambry Variant Classification Scheme 2023. Collection method: clinical testing. Allele origin: germline.
Comment: The p.R47P variant (also known as c.140G>C), located in coding exon 2 of the ACVRL1 gene, results from a G to C substitution at nucleotide position 140. The arginine at codon 47 is replaced by proline, an amino acid with dissimilar properties. Kinetic and thermodynamic study indicates that this variant causes protein misfolding and aggregation which leads to defective binding to BMP9 in the ALK1 signaling pathway (Townson et al 2012, J. Biol. Chem., 287:27313-27325). This variant was not reported in population based cohorts in the following databases: Database of Single Nucleotide Polymorphisms (dbSNP), NHLBI Exome Sequencing Project (ESP), and 1000 Genomes Project. This amino acid position is not well conserved in available vertebrate species. In addition, the in silico prediction for this alteration is inconclusive. Based on the majority of available evidence to date, this variant is likely to be pathogenic.

Literature cited by the submitters: PubMed 16470589 (cited by 3 submitters); PubMed 16282348 (cited by Victorian Clinical Genetics Services, Murdoch Childrens Research Institute); PubMed 16542389 (cited by 3 submitters); PubMed 26176610 (cited by Victorian Clinical Genetics Services, Murdoch Childrens Research Institute and Labcorp Genetics (formerly Invitae), Labcorp); PubMed 19767588 (cited by Victorian Clinical Genetics Services, Murdoch Childrens Research Institute); PubMed 22991266 (cited by Victorian Clinical Genetics Services, Murdoch Childrens Research Institute and Labcorp Genetics (formerly Invitae), Labcorp); PubMed 22718755 (cited by Ambry Genetics).